The following is an entry in ClinVar:

ClinVar aggregate classification (germline): Benign (1 of 4 stars; one submission).

Allele frequency attached by ClinVar (database versions not stated): 1000 Genomes Project 0.01657; gnomAD 0.01663; 1000 Genomes Project 30x 0.01733; TOPMed 0.01791.

Submission:

GeneDx
Classification: Benign. Last evaluated: 2018-06-14. Review status: criteria provided, single submitter. Criteria: GeneDx Variant Classification (06012015). Collection method: clinical testing. Allele origin: germline. Affected: yes.
Comment: This variant is considered likely benign or benign based on one or more of the following criteria: it is a conservative change, it occurs at a poorly conserved position in the protein, it is predicted to be benign by multiple in silico algorithms, and/or has population frequency not consistent with disease.

NM_001851.6(COL9A1):c.1999-95C>T

Gene: COL9A1 (collagen type IX alpha 1 chain; minus strand). Cytogenetic location: 6q13.
Variant type: single nucleotide variant.
Coding change: c.1999-95C>T on transcript NM_001851.6 (MANE Select); 95 bases into the intron before coding-DNA position 1999, C replaced by T.
Molecular consequence: intron variant.
Genome position (GRCh38, 1-based): chr6:70,241,549, G>A on the plus strand (C>T on the coding strand, the complement: COL9A1 is on the minus strand). VCF-style: chr6-70241549-G-A. GRCh37 (hg19) VCF-style: chr6-70951252-G-A.
Other names: c.1270-95C>T (NM_001377290.1, NM_078485.4); c.1300-95C>T (NM_001377289.1).
Identifiers: ClinVar variation 679111 (VCV000679111.1), dbSNP rs75139444, ClinGen allele CA140859535.
Genomic context (GRCh38, chr6:70,241,549, plus strand): 5'-TTTCAACTGTTTATATAATTTCAAGTGAACCTTATTGGGTGGGTGGATAAGCACAAGTAC[G>A]GATAATGTGATGGGAGAGGACGTTCCCACTCCTCACCACCCAACAAGAATCAGGACCAAA-3'